The following is an entry in ClinVar:

NM_025099.6(CTC1):c.860G>A (p.Arg287Gln)

Gene: CTC1 (CST telomere replication complex component 1; minus strand). Cytogenetic location: 17p13.1.
Variant type: single nucleotide variant.
Coding change: c.860G>A on transcript NM_025099.6 (MANE Select); coding-DNA position 860, G replaced by A.
Protein change: p.Arg287Gln; replaces arginine 287 with glutamine.
Molecular consequence: missense variant. On other transcripts: non-coding transcript variant (1).
Genome position (GRCh38, 1-based): chr17:8,236,275, C>T on the plus strand (G>A on the coding strand, the complement: CTC1 is on the minus strand). VCF-style: chr17-8236275-C-T. GRCh37 (hg19) VCF-style: chr17-8139593-C-T.
Other names: short protein forms R287Q.
Identifiers: ClinVar variation 1691973 (VCV001691973.1), dbSNP rs1987718148, ClinGen allele CA397988836.
Genomic context (GRCh38, chr17:8,236,275, plus strand): 5'-AGACGGGAGGACTGACTGGTCATCCAAACATGCTGGCGCTGACCACGGATCTTGGACACT[C>T]GCAGTTCTGTCAGCACATAGGCTGTACCAGGCCGAAGGGCTCTGTGCCACACCAGCTGGG-3'
Protein context (NP_079375.3, residues 277-297): PGTAYVLTEL[Arg287Gln]VSKIRGQRQH

ClinVar aggregate classification (germline): Uncertain significance (1 of 4 stars; one submission).

Conditions:
Dyskeratosis congenita. Identifiers: Orphanet 1775, MedGen C0265965, MONDO:0015780.

Allele frequency attached by ClinVar (database versions not stated): gnomAD exomes below 0.00001; TOPMed below 0.00001.

Submission:

Sema4
Classification: Uncertain significance for Dyskeratosis congenita. Last evaluated: 2022-01-26. Review status: criteria provided, single submitter. Criteria: Sema4 Curation Guidelines. Collection method: curation. Allele origin: germline.
Comment: The CTC1 c.860G>A (p.R287Q) variant has not been reported in the literature to our knowledge. It was not observed in the large and broad cohorts of the Genome Aggregation Database. The variant has not been reported in ClinVar. In silico tools suggest the impact of the variant on protein function is benign, though these predictions have not been confirmed by functional studies. The evidence is insufficient to meet ACMG/AMP criteria for classifying the variant as benign or pathogenic. Thus, the clinical significance of this variant is currently uncertain.